The following is an entry in ClinVar:

NM_206933.4(USH2A):c.1698A>G (p.Gln566=)

Gene: USH2A (usherin; minus strand). Cytogenetic location: 1q41.
Variant type: single nucleotide variant.
Coding change: c.1698A>G on transcript NM_206933.4 (MANE Select); coding-DNA position 1698, A replaced by G.
Protein change: p.Gln566=; no amino-acid change (glutamine 566 retained).
Molecular consequence: synonymous variant.
Genome position (GRCh38, 1-based): chr1:216,292,317, T>C on the plus strand (A>G on the coding strand, the complement: USH2A is on the minus strand). VCF-style: chr1-216292317-T-C. GRCh37 (hg19) VCF-style: chr1-216465659-T-C.
Other names: c.1698A>G, p.Gln566= (NM_007123.6); c.1698A>G (NM_206933.2).
Identifiers: ClinVar variation 1571515 (VCV001571515.10), dbSNP rs912953848, ClinGen allele CA37892161.

ClinVar aggregate classification (germline): Likely benign. Review status: criteria provided, multiple submitters, no conflicts (2 of 4 stars). 3 submissions from 3 submitters: Likely benign (3). Last evaluated 2026-08-12.

Conditions:
USH2A-related disorder. Also called: USH2A-related condition; USH2A-related disorders. Identifiers: MedGen CN239332.

Allele frequency attached by ClinVar (database versions not stated): gnomAD exomes below 0.00001.
gnomAD v4.1: 3 of 1,614,098 alleles (0.00019%); highest among the groups gnomAD compares: Non-Finnish European, 0.00025%; no homozygotes.

Submissions (3):

PreventionGenetics, part of Exact Sciences
Classification: Likely benign for USH2A-related condition. Last evaluated: 2026-08-12. Review status: criteria provided, single submitter. Criteria: ACMG Guidelines, 2015. Collection method: clinical testing. Allele origin: germline.
Comment: This variant is classified as likely benign based on ACMG/AMP sequence variant interpretation guidelines (Richards et al. 2015 PMID: 25741868, with internal and published modifications).

Labcorp Genetics (formerly Invitae), Labcorp
Classification: Likely benign. Last evaluated: 2023-05-15. Review status: criteria provided, single submitter. Criteria: Invitae Variant Classification Sherloc (09022015). Collection method: clinical testing. Allele origin: germline.

Blueprint Genetics
Classification: Likely benign. Last evaluated: 2017-12-07. Review status: criteria provided, single submitter. Criteria: ACMG Guidelines, 2015. Collection method: clinical testing. Allele origin: germline.